The following is an entry in ClinVar:

ClinVar aggregate classification (germline): Likely benign. Review status: criteria provided, multiple submitters, no conflicts (2 of 4 stars). 2 submissions from 2 submitters: Likely benign (2). Last evaluated 2026-01-03.

Allele frequency attached by ClinVar (database versions not stated): ExAC 0.00001; gnomAD 0.00001; TOPMed 0.00001; gnomAD exomes 0.00002.
gnomAD v4.1: 14 of 1,614,138 alleles (0.00087%); highest among the groups gnomAD compares: Admixed American, 0.005%; no homozygotes.

Submissions (2):

Labcorp Genetics (formerly Invitae), Labcorp
Classification: Likely benign. Last evaluated: 2026-01-03. Review status: criteria provided, single submitter. Criteria: Invitae Variant Classification Sherloc (09022015). Collection method: clinical testing. Allele origin: germline.

Laboratory for Molecular Medicine, Mass General Brigham Personalized Medicine
Classification: Likely benign. Last evaluated: 2017-08-23. Review status: criteria provided, single submitter. Criteria: LMM Criteria. Collection method: clinical testing. Allele origin: germline. Observed: 1 variant allele.
Comment: p.Ile1578Ile in exon 38 of OTOF: This variant is not expected to have clinical significance because it does not alter an amino acid residue and is not located within the splice consensus sequence. It has been identified in 1/66730 European chromosomes by the Exome Aggregation Consortium (ExAC; dbSNP rs748951588).

NM_194248.3(OTOF):c.4734C>T (p.Ile1578=)

Gene: OTOF (otoferlin; minus strand). Cytogenetic location: 2p23.3.
Variant type: single nucleotide variant.
Coding change: c.4734C>T on transcript NM_194248.3 (MANE Select); coding-DNA position 4734, C replaced by T.
Protein change: p.Ile1578=; no amino-acid change (isoleucine 1578 retained).
Molecular consequence: synonymous variant.
Genome position (GRCh38, 1-based): chr2:26,465,737, G>A on the plus strand (C>T on the coding strand, the complement: OTOF is on the minus strand). VCF-style: chr2-26465737-G-A. GRCh37 (hg19) VCF-style: chr2-26688605-G-A.
Other names: c.4734C>T, p.Ile1578= (NM_001287489.2); c.2433C>T, p.Ile811= (NM_004802.4, NM_194323.3); c.2664C>T, p.Ile888= (NM_194322.3).
Identifiers: ClinVar variation 930126 (VCV000930126.7), dbSNP rs748951588, ClinGen allele CA1563062.